The following is an entry in ClinVar:

NM_000540.3(RYR1):c.353G>A (p.Ser118Asn)

Gene: RYR1 (ryanodine receptor 1; plus strand). Cytogenetic location: 19q13.2.
Variant type: single nucleotide variant.
Coding change: c.353G>A on transcript NM_000540.3 (MANE Select); coding-DNA position 353, G replaced by A.
Protein change: p.Ser118Asn; replaces serine 118 with asparagine.
Molecular consequence: missense variant.
Genome position (GRCh38, 1-based): chr19:38,443,725, G>A. VCF-style: chr19-38443725-G-A. GRCh37 (hg19) VCF-style: chr19-38934365-G-A.
Other names: c.353G>A, p.Ser118Asn (NM_001042723.2); short protein forms S118N.
Identifiers: ClinVar variation 590518 (VCV000590518.11), dbSNP rs766569166, ClinGen allele CA064972.

ClinVar aggregate classification (germline): Uncertain significance. Review status: criteria provided, multiple submitters, no conflicts (2 of 4 stars). 5 submissions from 5 submitters: Uncertain significance (5). Last evaluated 2024-07-20.

Conditions:
Malignant hyperthermia, susceptibility to, 1 (MHS1). Also called: Anesthesia related hyperthermia; Malignant hyperpyrexia; Fulminating hyperpyrexia; Pharmacogenic myopathy; Malignant hyperthermia suceptibility 1; RYR1-Related Malignant Hyperthermia Susceptibility. Identifiers: Orphanet 423, MedGen C2930980, MONDO:0007783, OMIM 145600.
Congenital multicore myopathy with external ophthalmoplegia (CMYO1B). Also called: Minicore myopathy with external ophthalmoplegia; Congenital myopathy 1B, autosomal recessive; Minicore myopathy; MULTICORE MYOPATHY; MULTIMINICORE DISEASE WITH EXTERNAL OPHTHALMOPLEGIA. Identifiers: Orphanet 598, Orphanet 98905, MedGen C1850674, MONDO:0009712, OMIM 255320, HP:0003789.
King Denborough syndrome (KDS). Identifiers: MedGen C1840365, MONDO:0020485, OMIM 619542.
Central core myopathy (CMYO1A). Also called: Central core disease; Myopathy, central fibrillar; CONGENITAL MYOPATHY 1A, AUTOSOMAL DOMINANT, WITH SUSCEPTIBILITY TO MALIGNANT HYPERTHERMIA. Identifiers: Orphanet 597, MedGen C5830701, MONDO:0007294, OMIM 117000.
RYR1-related disorder. Also called: RYR1-related condition; RYR1-related disorders. Identifiers: MedGen CN239331.

Allele frequency attached by ClinVar (database versions not stated): gnomAD exomes below 0.00001 and 0.00001; TOPMed below 0.00001; ExAC 0.00001.
gnomAD v4.1: 2 of 1,614,122 alleles (0.00012%); highest among the groups gnomAD compares: East Asian, 0.0045%; no homozygotes.

Submissions (5):

All of Us Research Program, National Institutes of Health
Classification: Uncertain significance for Malignant hyperthermia, susceptibility to, 1. Last evaluated: 2024-07-20. Review status: criteria provided, single submitter. Criteria: ACMG Guidelines, 2015. Collection method: clinical testing. Allele origin: germline. Inheritance: Autosomal dominant inheritance. Observed: 1 variant allele, 1 heterozygote.
Comment: This missense variant replaces serine with asparagine at codon 118 of the RYR1 protein. Computational prediction is inconclusive regarding the impact of this variant on protein structure and function. To our knowledge, functional studies have not been reported for this variant. This variant has not been reported in individuals affected with RYR1-related disorders in the literature. This variant has been identified in 3/251424 chromosomes in the general population by the Genome Aggregation Database (gnomAD). The available evidence is insufficient to determine the role of this variant in disease conclusively. Therefore, this variant is classified as a Variant of Uncertain Significance.

This study involves interpretation of variants in research participants for the purpose of population health screening. Participant phenotype was not available at the time of variant classification. Additional details can be found in publication PMID: 35346344, PMCID: PMC8962531

Revvity Omics, Revvity
Classification: Uncertain significance. Last evaluated: 2024-06-03. Review status: criteria provided, single submitter. Criteria: ACMG Guidelines, 2015. Collection method: clinical testing. Allele origin: germline.

Labcorp Genetics (formerly Invitae), Labcorp
Classification: Uncertain significance for RYR1-related disorder. Last evaluated: 2021-09-01. Review status: criteria provided, single submitter. Criteria: Invitae Variant Classification Sherloc (09022015). Collection method: clinical testing. Allele origin: germline.
Comment: This sequence change replaces serine with asparagine at codon 118 of the RYR1 protein (p.Ser118Asn). The serine residue is moderately conserved and there is a small physicochemical difference between serine and asparagine. This variant is present in population databases (rs766569166, ExAC 0.01%). This variant has not been reported in the literature in individuals affected with RYR1-related conditions. Algorithms developed to predict the effect of missense changes on protein structure and function are either unavailable or do not agree on the potential impact of this missense change (SIFT: "Tolerated"; PolyPhen-2: "Probably Damaging"; Align-GVGD: "Class C0"). In summary, the available evidence is currently insufficient to determine the role of this variant in disease. Therefore, it has been classified as a Variant of Uncertain Significance.

PreventionGenetics, part of Exact Sciences
Classification: Uncertain significance. Last evaluated: 2016-01-20. Review status: criteria provided, single submitter. Criteria: ACMG Guidelines, 2015. Collection method: clinical testing. Allele origin: germline.

Juno Genomics, Hangzhou Juno Genomics, Inc
Classification: Uncertain significance for Central core myopathy; Congenital multicore myopathy with external ophthalmoplegia; Malignant hyperthermia, susceptibility to, 1; King Denborough syndrome. Review status: criteria provided, single submitter. Criteria: ACMG Guidelines, 2015. Collection method: clinical testing. Allele origin: germline.
Comment: Absent from controls (or at extremely low frequency if recessive) in Genome Aggregation Database.